The following is an entry in ClinVar:

ClinVar aggregate classification (germline): Uncertain significance. Review status: criteria provided, multiple submitters, no conflicts (2 of 4 stars). 2 submissions from 2 submitters: Uncertain significance (2). Last evaluated 2024-08-05.

Conditions:
Hereditary cancer-predisposing syndrome. Also called: Hereditary neoplastic syndrome; Neoplastic Syndromes, Hereditary; Tumor predisposition; Hereditary Cancer Syndrome. Identifiers: Orphanet 140162, MedGen C0027672, MeSH D009386, MONDO:0015356.
Familial cancer of breast. Also called: Hereditary breast cancer; hereditary breast carcinoma; BREAST CANCER, FAMILIAL. Identifiers: Orphanet 227535, MedGen C0346153, MONDO:0016419, OMIM 114480. Disease mechanism: loss of function.

gnomAD v4.1: 1 of 1,614,100 alleles (0.000062%); highest among the groups gnomAD compares: Non-Finnish European, 0.000085%; no homozygotes.

Submissions (2):

Labcorp Genetics (formerly Invitae), Labcorp
Classification: Uncertain significance for Familial cancer of breast. Last evaluated: 2024-08-05. Review status: criteria provided, single submitter. Criteria: Invitae Variant Classification Sherloc (09022015). Collection method: clinical testing. Allele origin: germline.
Comment: This sequence change replaces valine, which is neutral and non-polar, with aspartic acid, which is acidic and polar, at codon 213 of the PALB2 protein (p.Val213Asp). This variant is not present in population databases (gnomAD no frequency). This variant has not been reported in the literature in individuals affected with PALB2-related conditions. ClinVar contains an entry for this variant (Variation ID: 947316). An algorithm developed to predict the effect of missense changes on protein structure and function outputs the following: PolyPhen-2: "Benign". The aspartic acid amino acid residue is found in multiple mammalian species, which suggests that this missense change does not adversely affect protein function. In summary, the available evidence is currently insufficient to determine the role of this variant in disease. Therefore, it has been classified as a Variant of Uncertain Significance.

Ambry Genetics
Classification: Uncertain significance for Hereditary cancer-predisposing syndrome. Last evaluated: 2024-05-16. Review status: criteria provided, single submitter. Criteria: Ambry Variant Classification Scheme 2023. Collection method: clinical testing. Allele origin: germline.
Comment: The p.V213D variant (also known as c.638T>A), located in coding exon 4 of the PALB2 gene, results from a T to A substitution at nucleotide position 638. The valine at codon 213 is replaced by aspartic acid, an amino acid with highly dissimilar properties. This amino acid position is conserved. In addition, this alteration is predicted to be tolerated by in silico analysis. Based on the available evidence, the clinical significance of this variant remains unclear.

NM_024675.4(PALB2):c.638T>A (p.Val213Asp)

Gene: PALB2 (partner and localizer of BRCA2; minus strand). Cytogenetic location: 16p12.2.
Variant type: single nucleotide variant.
Coding change: c.638T>A on transcript NM_024675.4 (MANE Select); coding-DNA position 638, T replaced by A.
Protein change: p.Val213Asp; replaces valine 213 with aspartic acid.
Molecular consequence: missense variant.
Genome position (GRCh38, 1-based): chr16:23,635,908, A>T on the plus strand (T>A on the coding strand, the complement: PALB2 is on the minus strand). VCF-style: chr16-23635908-A-T. GRCh37 (hg19) VCF-style: chr16-23647229-A-T.
Other names: short protein forms V213D.
Identifiers: ClinVar variation 947316 (VCV000947316.11), dbSNP rs1967032445, ClinGen allele CA395136559.
Genomic context (GRCh38, chr16:23,635,908, plus strand): 5'-ACACCTTTTTCTGGTTGGGCAGTTGGTGGAATTAATACACTGTCTTCATTAATTTCTGTA[A>T]CTGGTTCTGGAGAATCTGGAAGTTCAGATTTAAGACTTAAAAGGTGAGTTCTTATTTCAG-3'
Protein context (NP_078951.2, residues 203-223): KSELPDSPEP[Val213Asp]TEINEDSVLI